The following is an entry in ClinVar:

NM_006978.3(RNF113A):c.921C>G (p.Phe307Leu)

Gene: RNF113A (ring finger protein 113A; minus strand). Cytogenetic location: Xq24.
Variant type: single nucleotide variant.
Coding change: c.921C>G on transcript NM_006978.3 (MANE Select); coding-DNA position 921, C replaced by G.
Protein change: p.Phe307Leu; replaces phenylalanine 307 with leucine.
Molecular consequence: missense variant.
Genome position (GRCh38, 1-based): chrX:119,870,693, G>C on the plus strand (C>G on the coding strand, the complement: RNF113A is on the minus strand). VCF-style: chrX-119870693-G-C. GRCh37 (hg19) VCF-style: chrX-119004656-G-C.
Other names: short protein forms F307L.
Identifiers: ClinVar variation 4763727 (VCV004763727.1).
Genomic context (GRCh38, chrX:119,870,693, plus strand): 5'-ACCACCCTCTCCTGTAGCTCGATGCTTCTCTAGTTTAGCAATCAATTCTTTCGCTGGATT[G>C]AAGACGCCATTGGTCTGCTGGTCACAGACATAGCAGCGCGGGGTGGTGCGGAAATGCTGC-3'
Protein context (NP_008909.1, residues 297-317): YVCDQQTNGV[Phe307Leu]NPAKELIAKL

ClinVar aggregate classification (germline): Uncertain significance (1 of 4 stars; one submission).

gnomAD v4.1: 2 of 1,211,798 alleles (0.00017%); highest among the groups gnomAD compares: African/African-American, 0.0035%; no homozygotes.

Submission:

Labcorp Genetics (formerly Invitae), Labcorp
Classification: Uncertain significance. Last evaluated: 2025-09-26. Review status: criteria provided, single submitter. Criteria: Invitae Variant Classification Sherloc (09022015). Collection method: clinical testing. Allele origin: germline.
Comment: This sequence change replaces phenylalanine, which is neutral and non-polar, with leucine, which is neutral and non-polar, at codon 307 of the RNF113A protein (p.Phe307Leu). This variant is present in population databases (rs754651617, gnomAD 0.008%). This variant has not been reported in the literature in individuals affected with RNF113A-related conditions. Invitae Evidence Modeling of protein sequence and biophysical properties (such as structural, functional, and spatial information, amino acid conservation, physicochemical variation, residue mobility, and thermodynamic stability) indicates that this missense variant is expected to disrupt RNF113A protein function with a positive predictive value of 80%. In summary, the available evidence is currently insufficient to determine the role of this variant in disease. Therefore, it has been classified as a Variant of Uncertain Significance.